The following is an entry in ClinVar:

ClinVar aggregate classification (germline): Uncertain significance (1 of 4 stars; one submission).

Allele frequency attached by ClinVar (database versions not stated): gnomAD 0.00001; TOPMed 0.00005; gnomAD exomes 0.00006; ExAC 0.00011.
gnomAD v4.1: 37 of 1,614,026 alleles (0.0023%); highest among the groups gnomAD compares: Admixed American, 0.057%; no homozygotes.

Submission:

Labcorp Genetics (formerly Invitae), Labcorp
Classification: Uncertain significance. Last evaluated: 2024-06-17. Review status: criteria provided, single submitter. Criteria: Invitae Variant Classification Sherloc (09022015). Collection method: clinical testing. Allele origin: germline.
Comment: This sequence change replaces serine, which is neutral and polar, with phenylalanine, which is neutral and non-polar, at codon 134 of the AIMP2 protein (p.Ser134Phe). This variant is present in population databases (rs769933568, gnomAD 0.08%). This variant has not been reported in the literature in individuals affected with AIMP2-related conditions. ClinVar contains an entry for this variant (Variation ID: 2189420). An algorithm developed to predict the effect of missense changes on protein structure and function (PolyPhen-2) suggests that this variant is likely to be disruptive. In summary, the available evidence is currently insufficient to determine the role of this variant in disease. Therefore, it has been classified as a Variant of Uncertain Significance.

NM_006303.4(AIMP2):c.401C>T (p.Ser134Phe)

Gene: AIMP2 (aminoacyl tRNA synthetase complex interacting multifunctional protein 2; plus strand). Cytogenetic location: 7p22.1.
Variant type: single nucleotide variant.
Coding change: c.401C>T on transcript NM_006303.4 (MANE Select); coding-DNA position 401, C replaced by T.
Protein change: p.Ser134Phe; replaces serine 134 with phenylalanine.
Molecular consequence: missense variant.
Genome position (GRCh38, 1-based): chr7:6,017,872, C>T. VCF-style: chr7-6017872-C-T. GRCh37 (hg19) VCF-style: chr7-6057503-C-T.
Other names: c.281C>T, p.Ser94Phe (NM_001326606.2); c.194C>T, p.Ser65Phe (NM_001326607.2); c.167C>T, p.Ser56Phe (NM_001326609.2, NM_001326610.2, NM_001326611.3); c.314C>T, p.Ser105Phe (NM_001362785.2); c.269C>T, p.Ser90Phe (NM_001362787.2); short protein forms S56F, S94F, S65F, S105F, S90F, S134F.
Identifiers: ClinVar variation 2189420 (VCV002189420.2), dbSNP rs769933568, ClinGen allele CA4150348.